The following is an entry in ClinVar:

NM_001414.4(EIF2B1):c.693_694del (p.Ser232fs)

Gene: EIF2B1 (eukaryotic translation initiation factor 2B subunit alpha; minus strand). Cytogenetic location: 12q24.31.
Variant type: Deletion.
Coding change: c.693_694del on transcript NM_001414.4 (MANE Select); coding-DNA positions 693 to 694, 2 bases deleted (AA; older notation c.693_694delAA).
Protein change: p.Ser232fs; shifts the reading frame from serine 232.
Molecular consequence: frameshift variant.
Genome position (GRCh38, 1-based): chr12:123,622,695-123,622,696, TT deleted on the plus strand (AA on the coding strand, the reverse complement: EIF2B1 is on the minus strand); deleting any 2 consecutive bases within chr12:123,622,695-123,622,697 gives the same sequence; the c. name uses the placement nearest the transcript's 3' end. VCF-style (leftmost placement, unchanged base first): chr12-123622694-CTT-C. GRCh37 (hg19) VCF-style: chr12-124107241-CTT-C.
Other names: short protein forms S232fs.
Identifiers: ClinVar variation 2762330 (VCV002762330.3), dbSNP rs780116205, ClinGen allele CA6859978.
Genomic context (GRCh38, chr12:123,622,694, plus strand): 5'-GCCTTAAACTTATCTGGGACGTCTTGCTGGTTTAGTGGAAAGAGCCGGACAAACTTGAAA[CTT>C]TCTGCAACCACATAGAAAGGTTTGTTCTGTGCTTTGGCACACACAGCCATCTGGTTGGTT-3'

ClinVar aggregate classification (germline): Pathogenic (1 of 4 stars; one submission).

Submission:

Labcorp Genetics (formerly Invitae), Labcorp
Classification: Pathogenic. Last evaluated: 2023-09-21. Review status: criteria provided, single submitter. Criteria: Invitae Variant Classification Sherloc (09022015). Collection method: clinical testing. Allele origin: germline.
Comment: This sequence change creates a premature translational stop signal (p.Ser232Phefs*17) in the EIF2B1 gene. While this is not anticipated to result in nonsense mediated decay, it is expected to disrupt the last 74 amino acid(s) of the EIF2B1 protein. This variant is present in population databases (rs780116205, gnomAD 0.0009%). This variant has not been reported in the literature in individuals affected with EIF2B1-related conditions. This variant disrupts a region of the EIF2B1 protein in which other variant(s) (p.Tyr275Cys) have been determined to be pathogenic (PMID: 18263758, 26285592, 32865661, 33334879, 34663487). This suggests that this is a clinically significant region of the protein, and that variants that disrupt it are likely to be disease-causing. For these reasons, this variant has been classified as Pathogenic.

Literature cited by the submitters: PubMed 18263758; PubMed 26285592; PubMed 32865661; PubMed 33334879; PubMed 34663487.